The following is an entry in ClinVar:

ClinVar aggregate classification (germline): Likely benign. Review status: criteria provided, multiple submitters, no conflicts (2 of 4 stars). 2 submissions from 2 submitters: Likely benign (2). Last evaluated 2025-03-09.

Conditions:
HNRNPK-related disorder. Also called: HNRNPK-related condition.

gnomAD v4.1: 254 of 1,611,510 alleles (0.016%); highest among the groups gnomAD compares: African/African-American, 0.18%; 1 homozygote.

Submissions (2):

PreventionGenetics, part of Exact Sciences
Classification: Likely benign for HNRNPK-related condition. Last evaluated: 2025-03-09. Review status: criteria provided, single submitter. Criteria: ACMG Guidelines, 2015. Collection method: clinical testing. Allele origin: germline.
Comment: This variant is classified as likely benign based on ACMG/AMP sequence variant interpretation guidelines (Richards et al. 2015 PMID: 25741868, with internal and published modifications).

Blueprint Genetics
Classification: Likely benign. Last evaluated: 2024-08-14. Review status: criteria provided, single submitter. Criteria: ACMG Guidelines, 2015. Collection method: clinical testing. Allele origin: germline.

NM_031263.4(HNRNPK):c.-1T>A

Gene: HNRNPK (heterogeneous nuclear ribonucleoprotein K; minus strand). Cytogenetic location: 9q21.32.
Variant type: single nucleotide variant.
Coding change: c.-1T>A on transcript NM_031263.4 (MANE Select); 1 bases upstream of the start codon, T replaced by A.
Molecular consequence: 5 prime UTR variant.
Genome position (GRCh38, 1-based): chr9:83,978,253, A>T on the plus strand (T>A on the coding strand, the complement: HNRNPK is on the minus strand). VCF-style: chr9-83978253-A-T. GRCh37 (hg19) VCF-style: chr9-86593168-A-T.
Other names: c.-1T>A (NM_001318186.2, NM_001318187.2, NM_001318188.2 and 3 more transcripts).
Identifiers: ClinVar variation 4903581 (VCV004903581.2).
Genomic context (GRCh38, chr9:83,978,253, plus strand): 5'-ACCAAATTCACCATTGGTTTCAGTGTTAGGGAAGGTTTCTTCTGGCTGTTCAGTTTCCAT[A>T]TTCTTTTATTAAACGGGCACACCAATCTGTGGAAAAATAAAGCAGCTAGTACATTTGGCT-3'